The following is an entry in ClinVar:

NM_014927.5(CNKSR2):c.714C>G (p.Leu238=)

Gene: CNKSR2 (connector enhancer of kinase suppressor of Ras 2; plus strand). Cytogenetic location: Xp22.12.
Variant type: single nucleotide variant.
Coding change: c.714C>G on transcript NM_014927.5 (MANE Select); coding-DNA position 714, C replaced by G.
Protein change: p.Leu238=; no amino-acid change (leucine 238 retained).
Molecular consequence: synonymous variant.
Genome position (GRCh38, 1-based): chrX:21,497,819, C>G. VCF-style: chrX-21497819-C-G. GRCh37 (hg19) VCF-style: chrX-21515937-C-G.
Other names: c.714C>G, p.Leu238= (NM_001168647.3, NM_001168648.3, NM_001168649.3 and 4 more transcripts).
Identifiers: ClinVar variation 2660144 (VCV002660144.24), dbSNP rs2518990270, ClinGen allele CA515419007.

ClinVar aggregate classification (germline): Uncertain significance (1 of 4 stars; one submission).

Submission:

CeGaT Center for Human Genetics Tuebingen
Classification: Uncertain significance. Last evaluated: 2022-06-01. Review status: criteria provided, single submitter. Criteria: CeGaT Center For Human Genetics Tuebingen Variant Classification Criteria Version 2. Collection method: clinical testing. Allele origin: germline. Affected: yes. Observed: 1 variant allele.
Comment: CNKSR2: PM2:Supporting, BP4